The following is an entry in ClinVar:

ClinVar aggregate classification (germline): Uncertain significance. Review status: criteria provided, single submitter (1 of 4 stars). 2 submissions from 2 submitters: Uncertain significance (1). 1 of the submissions does not count toward it. Last evaluated 2023-08-17.

Conditions:
Hereditary insensitivity to pain with anhidrosis (CIPA). Also called: NEUROPATHY, CONGENITAL SENSORY, WITH ANHIDROSIS; INSENSITIVITY TO PAIN, CONGENITAL, WITH ANHIDROSIS; FAMILIAL DYSAUTONOMIA, TYPE II; hereditary sensory and autonomic neuropathy type 4; NTRK1 Congenital Insensitivity to Pain with Anhidrosis; HSAN Type IV. Identifiers: Orphanet 642, MedGen C0020074, MONDO:0009746, OMIM 256800.

Allele frequency attached by ClinVar (database versions not stated): TOPMed 0.00001; ExAC 0.00002.
gnomAD v4.1: 16 of 1,613,430 alleles (0.00099%); highest among the groups gnomAD compares: African/African-American, 0.0013%; no homozygotes.

Submissions (2):

Labcorp Genetics (formerly Invitae), Labcorp
Classification: Uncertain significance for Hereditary insensitivity to pain with anhidrosis. Last evaluated: 2023-08-17. Review status: criteria provided, single submitter. Criteria: Invitae Variant Classification Sherloc (09022015). Collection method: clinical testing. Allele origin: germline.
Comment: This sequence change replaces arginine, which is basic and polar, with leucine, which is neutral and non-polar, at codon 577 of the NTRK1 protein (p.Arg577Leu). This variant is present in population databases (rs762542314, gnomAD 0.002%). This variant has not been reported in the literature in individuals affected with NTRK1-related conditions. ClinVar contains an entry for this variant (Variation ID: 952155). Advanced modeling of protein sequence and biophysical properties (such as structural, functional, and spatial information, amino acid conservation, physicochemical variation, residue mobility, and thermodynamic stability) performed at Invitae indicates that this missense variant is not expected to disrupt NTRK1 protein function. In summary, the available evidence is currently insufficient to determine the role of this variant in disease. Therefore, it has been classified as a Variant of Uncertain Significance.

Natera, Inc.
Classification: Uncertain significance for Hereditary insensitivity to pain with anhidrosis. Last evaluated: 2021-08-03. Review status: no assertion criteria provided. Collection method: clinical testing. Allele origin: germline. Not counted in ClinVar's aggregate classification.

NM_002529.4(NTRK1):c.1748G>T (p.Arg583Leu)

Gene: NTRK1 (neurotrophic receptor tyrosine kinase 1; plus strand). Cytogenetic location: 1q23.1.
Variant type: single nucleotide variant.
Coding change: c.1748G>T on transcript NM_002529.4 (MANE Select); coding-DNA position 1748, G replaced by T.
Protein change: p.Arg583Leu; replaces arginine 583 with leucine.
Molecular consequence: missense variant.
Genome position (GRCh38, 1-based): chr1:156,876,515, G>T. VCF-style: chr1-156876515-G-T. GRCh37 (hg19) VCF-style: chr1-156846307-G-T.
Other names: c.1640G>T, p.Arg547Leu (NM_001007792.1); c.1730G>T, p.Arg577Leu (NM_001012331.2); short protein forms R547L, R577L, R583L.
Identifiers: ClinVar variation 952155 (VCV000952155.10), dbSNP rs762542314, ClinGen allele CA1169461.